The following is an entry in ClinVar:

ClinVar aggregate classification (germline): Uncertain significance (1 of 4 stars; one submission).

Conditions:
Hereditary spastic paraplegia 3A (SPG3A). Also called: SPASTIC PARAPLEGIA 3, AUTOSOMAL DOMINANT; FAMILIAL SPASTIC PARAPLEGIA, AUTOSOMAL DOMINANT, 1; SPG3; STRUMPELL DISEASE; Spastic Paraplegia 3A; Spastic paraplegia 3A, autosomal dominant. Identifiers: Orphanet 100984, MedGen C2931355, MONDO:0008437, OMIM 182600.

Submission:

Labcorp Genetics (formerly Invitae), Labcorp
Classification: Uncertain significance for Hereditary spastic paraplegia 3A. Last evaluated: 2023-10-13. Review status: criteria provided, single submitter. Criteria: Invitae Variant Classification Sherloc (09022015). Collection method: clinical testing. Allele origin: germline.
Comment: This sequence change replaces glycine, which is neutral and non-polar, with valine, which is neutral and non-polar, at codon 114 of the ATL1 protein (p.Gly114Val). This variant is not present in population databases (gnomAD no frequency). This variant has not been reported in the literature in individuals affected with ATL1-related conditions. ClinVar contains an entry for this variant (Variation ID: 1487401). Advanced modeling of protein sequence and biophysical properties (such as structural, functional, and spatial information, amino acid conservation, physicochemical variation, residue mobility, and thermodynamic stability) performed at Invitae indicates that this missense variant is expected to disrupt ATL1 protein function. In summary, the available evidence is currently insufficient to determine the role of this variant in disease. Therefore, it has been classified as a Variant of Uncertain Significance.

NM_015915.5(ATL1):c.341G>T (p.Gly114Val)

Gene: ATL1 (atlastin GTPase 1; plus strand). Cytogenetic location: 14q22.1.
Variant type: single nucleotide variant.
Coding change: c.341G>T on transcript NM_015915.5 (MANE Select); coding-DNA position 341, G replaced by T.
Protein change: p.Gly114Val; replaces glycine 114 with valine.
Molecular consequence: missense variant.
Genome position (GRCh38, 1-based): chr14:50,590,999, G>T. VCF-style: chr14-50590999-G-T. GRCh37 (hg19) VCF-style: chr14-51057717-G-T.
Other names: c.341G>T, p.Gly114Val (NM_001127713.1, NM_181598.4); short protein forms G114V.
Identifiers: ClinVar variation 1487401 (VCV001487401.8), dbSNP rs2140204855, ClinGen allele CA389666659.